The following is an entry in ClinVar:

NM_001904.4(CTNNB1):c.648del (p.Thr217fs)

Genes: CTNNB1 (catenin beta 1; plus strand), LOC126806658 (BRD4-independent group 4 enhancer GRCh37_chr3:41265899-41267098; plus strand). Cytogenetic location: 3p22.1.
Variant type: Deletion.
Coding change: c.648del on transcript NM_001904.4 (MANE Select); coding-DNA position 648, one base deleted (G; older notation c.648delG).
Protein change: p.Thr217fs; shifts the reading frame from threonine 217.
Molecular consequence: frameshift variant.
Genome position (GRCh38, 1-based): chr3:41,225,486, G deleted; the last of 3 consecutive G bases (chr3:41,225,484-41,225,486); deleting any one gives the same sequence. VCF-style (leftmost placement, unchanged base first): chr3-41225483-TG-T. GRCh37 (hg19) VCF-style: chr3-41266974-TG-T.
Other names: c.648del, p.Thr217fs (NM_001098209.2, NM_001098210.2); c.627del, p.Thr210fs (NM_001330729.2); short protein forms T210fs, T217fs.
Identifiers: ClinVar variation 2755021 (VCV002755021.3), dbSNP rs2470786532, ClinGen allele CA2697550821.

ClinVar aggregate classification (germline): Pathogenic (1 of 4 stars; one submission).

Submission:

Labcorp Genetics (formerly Invitae), Labcorp
Classification: Pathogenic. Last evaluated: 2023-08-28. Review status: criteria provided, single submitter. Criteria: Invitae Variant Classification Sherloc (09022015). Collection method: clinical testing. Allele origin: germline.
Comment: This sequence change creates a premature translational stop signal (p.Thr217Profs*25) in the CTNNB1 gene. It is expected to result in an absent or disrupted protein product. Loss-of-function variants in CTNNB1 are known to be pathogenic (PMID: 23033978, 24614104, 25326669, 26350204, 28575650). This variant is not present in population databases (gnomAD no frequency). This variant has not been reported in the literature in individuals affected with CTNNB1-related conditions. For these reasons, this variant has been classified as Pathogenic.

Literature cited by the submitters: PubMed 23033978; PubMed 24614104; PubMed 25326669; PubMed 26350204; PubMed 28575650.